The following is an entry in ClinVar:

ClinVar aggregate classification (germline): Uncertain significance (1 of 4 stars; one submission).

Conditions:
Inborn genetic diseases. Identifiers: MedGen C0950123, MeSH D030342.

Submission:

Ambry Genetics
Classification: Uncertain significance for Inborn genetic diseases. Last evaluated: 2026-01-23. Review status: criteria provided, single submitter. Criteria: Ambry Variant Classification Scheme 2023. Collection method: clinical testing. Allele origin: germline.
Comment: The c.1507G>A (p.E503K) alteration is located in exon 13 (coding exon 13) of the NAA15 gene. This alteration results from a G to A substitution at nucleotide position 1507, causing the glutamic acid (E) at amino acid position 503 to be replaced by a lysine (K). This variant was not reported in population-based cohorts in the Genome Aggregation Database (gnomAD). This amino acid position is well conserved in available vertebrate species. The in silico prediction for this alteration is inconclusive. Based on insufficient or conflicting evidence, the clinical significance of this alteration remains unclear.

NM_057175.5(NAA15):c.1507G>A (p.Glu503Lys)

Gene: NAA15 (N-alpha-acetyltransferase 15, NatA auxiliary subunit; plus strand). Cytogenetic location: 4q31.1.
Variant type: single nucleotide variant.
Coding change: c.1507G>A on transcript NM_057175.5 (MANE Select); coding-DNA position 1507, G replaced by A.
Protein change: p.Glu503Lys; replaces glutamic acid 503 with lysine.
Molecular consequence: missense variant.
Genome position (GRCh38, 1-based): chr4:139,360,596, G>A. VCF-style: chr4-139360596-G-A. GRCh37 (hg19) VCF-style: chr4-140281750-G-A.
Other names: c.1507G>A, p.Glu503Lys (NM_001410842.1); short protein forms E503K.
Identifiers: ClinVar variation 4839504 (VCV004839504.1).